The following is an entry in ClinVar:

NM_000155.4(GALT):c.821-1del

Gene: GALT (galactose-1-phosphate uridylyltransferase; plus strand). Cytogenetic location: 9p13.3.
Variant type: Deletion.
Coding change: c.821-1del on transcript NM_000155.4 (MANE Select); the canonical splice acceptor site of the intron before coding-DNA position 821, one base deleted (G; older notation c.821-1delG).
Molecular consequence: splice acceptor variant.
Genome position (GRCh38, 1-based): chr9:34,648,997, G deleted. VCF-style (leftmost placement, unchanged base first): chr9-34648996-AG-A. GRCh37 (hg19) VCF-style: chr9-34648993-AG-A.
Other names: c.494-1del (NM_001258332.2).
Identifiers: ClinVar variation 1479733 (VCV001479733.8), dbSNP rs2132345349, ClinGen allele CA2573144596.

ClinVar aggregate classification (germline): Likely pathogenic (1 of 4 stars; one submission).

Conditions:
Deficiency of UDPglucose-hexose-1-phosphate uridylyltransferase. Also called: GALT deficiency; Galactosemia, classic; GALACTOSE-1-PHOSPHATE URIDYLYLTRANSFERASE DEFICIENCY; Transferase Deficiency Galactosemia; GALACTOSEMIA I. Identifiers: Orphanet 352, Orphanet 79239, MedGen C0268151, MONDO:0009258, OMIM 230400.

Submission:

Labcorp Genetics (formerly Invitae), Labcorp
Classification: Likely pathogenic for Deficiency of UDPglucose-hexose-1-phosphate uridylyltransferase. Last evaluated: 2021-06-15. Review status: criteria provided, single submitter. Criteria: Invitae Variant Classification Sherloc (09022015). Collection method: clinical testing. Allele origin: germline.
Comment: This sequence change affects a splice site in intron 8 of the GALT gene. It is expected to disrupt RNA splicing. Variants that disrupt the donor or acceptor splice site typically lead to a loss of protein function (PMID: 16199547), and loss-of-function variants in GALT are known to be pathogenic (PMID: 22944367). This variant is not present in population databases (ExAC no frequency). Disruption of this splice site has been observed in individual(s) with galactosemia (PMID: 15841485). Algorithms developed to predict the effect of sequence changes on RNA splicing suggest that this variant may disrupt the consensus splice site, but this prediction has not been confirmed by published transcriptional studies. In summary, the currently available evidence indicates that the variant is pathogenic, but additional data are needed to prove that conclusively. Therefore, this variant has been classified as Likely Pathogenic.

Literature cited by the submitters: PubMed 16199547; PubMed 22944367; PubMed 15841485.